The following is an entry in ClinVar:

NM_001032382.2(PQBP1):c.107A>G (p.Asp36Gly)

Gene: PQBP1 (polyglutamine binding protein 1; plus strand). Cytogenetic location: Xp11.23.
Variant type: single nucleotide variant.
Coding change: c.107A>G on transcript NM_001032382.2 (MANE Select); coding-DNA position 107, A replaced by G.
Protein change: p.Asp36Gly; replaces aspartic acid 36 with glycine.
Molecular consequence: missense variant.
Genome position (GRCh38, 1-based): chrX:48,901,229, A>G. VCF-style: chrX-48901229-A-G. GRCh37 (hg19) VCF-style: chrX-48758506-A-G.
Other names: c.107A>G, p.Asp36Gly (NM_001032381.2, NM_001032383.2, NM_001032384.1 and 6 more transcripts); short protein forms D36G.
Identifiers: ClinVar variation 4717039 (VCV004717039.1).

ClinVar aggregate classification (germline): Uncertain significance (1 of 4 stars; one submission).

Submission:

Labcorp Genetics (formerly Invitae), Labcorp
Classification: Uncertain significance. Last evaluated: 2025-04-11. Review status: criteria provided, single submitter. Criteria: Invitae Variant Classification Sherloc (09022015). Collection method: clinical testing. Allele origin: germline.
Comment: This sequence change replaces aspartic acid, which is acidic and polar, with glycine, which is neutral and non-polar, at codon 36 of the PQBP1 protein (p.Asp36Gly). This variant is not present in population databases (gnomAD no frequency). This variant has not been reported in the literature in individuals affected with PQBP1-related conditions. An algorithm developed to predict the effect of missense changes on protein structure and function (PolyPhen-2) suggests that this variant is likely to be tolerated. In summary, the available evidence is currently insufficient to determine the role of this variant in disease. Therefore, it has been classified as a Variant of Uncertain Significance.